The following is an entry in ClinVar:

ClinVar aggregate classification (germline): Uncertain significance (1 of 4 stars; one submission).

Allele frequency attached by ClinVar (database versions not stated): gnomAD 0.00001; ExAC 0.00002; TOPMed 0.00002; gnomAD exomes 0.00006.
gnomAD v4.1: 92 of 1,609,230 alleles (0.0057%); highest among the groups gnomAD compares: Non-Finnish European, 0.0077%; no homozygotes.

Submission:

Labcorp Genetics (formerly Invitae), Labcorp
Classification: Uncertain significance. Last evaluated: 2022-09-12. Review status: criteria provided, single submitter. Criteria: Invitae Variant Classification Sherloc (09022015). Collection method: clinical testing. Allele origin: germline.
Comment: In summary, the available evidence is currently insufficient to determine the role of this variant in disease. Therefore, it has been classified as a Variant of Uncertain Significance. Algorithms developed to predict the effect of missense changes on protein structure and function are either unavailable or do not agree on the potential impact of this missense change (SIFT: "Deleterious"; PolyPhen-2: "Probably Damaging"; Align-GVGD: "Class C15"). This variant has not been reported in the literature in individuals affected with NPR3-related conditions. This variant is present in population databases (rs762400898, gnomAD 0.002%). This sequence change replaces leucine, which is neutral and non-polar, with phenylalanine, which is neutral and non-polar, at codon 367 of the NPR3 protein (p.Leu367Phe).

NM_001204375.2(NPR3):c.1099C>T (p.Leu367Phe)

Gene: NPR3 (natriuretic peptide receptor 3; plus strand). Cytogenetic location: 5p13.3.
Variant type: single nucleotide variant.
Coding change: c.1099C>T on transcript NM_001204375.2 (MANE Select); coding-DNA position 1099, C replaced by T.
Protein change: p.Leu367Phe; replaces leucine 367 with phenylalanine.
Molecular consequence: missense variant.
Genome position (GRCh38, 1-based): chr5:32,774,747, C>T. VCF-style: chr5-32774747-C-T. GRCh37 (hg19) VCF-style: chr5-32774853-C-T.
Other names: c.1099C>T, p.Leu367Phe (NM_000908.4); c.451C>T, p.Leu151Phe (NM_001204376.2, NM_001363652.2); c.379C>T, p.Leu127Phe (NM_001364458.2); c.328C>T, p.Leu110Phe (NM_001364460.2); short protein forms L151F, L367F, L127F, L110F.
Identifiers: ClinVar variation 2158660 (VCV002158660.4), dbSNP rs762400898, ClinGen allele CA3222547.